The following is an entry in ClinVar:

NM_203446.3(SYNJ1):c.1559T>C (p.Met520Thr)

Gene: SYNJ1 (synaptojanin 1; minus strand). Cytogenetic location: 21q22.11.
Variant type: single nucleotide variant.
Coding change: c.1559T>C on transcript NM_203446.3 (MANE Select); coding-DNA position 1559, T replaced by C.
Protein change: p.Met520Thr; replaces methionine 520 with threonine.
Molecular consequence: missense variant.
Genome position (GRCh38, 1-based): chr21:32,673,507, A>G on the plus strand (T>C on the coding strand, the complement: SYNJ1 is on the minus strand). VCF-style: chr21-32673507-A-G. GRCh37 (hg19) VCF-style: chr21-34045817-A-G.
Other names: c.1559T>C, p.Met520Thr (NM_001160302.2); c.1544T>C, p.Met515Thr (NM_001160306.2); c.1676T>C, p.Met559Thr (NM_003895.4); short protein forms M520T, M559T, M515T.
Identifiers: ClinVar variation 1991888 (VCV001991888.2), dbSNP rs781147009, ClinGen allele CA10003844.
Genomic context (GRCh38, chr21:32,673,507, plus strand): 5'-CAGGTTCCGACACATACTCGAATTTTCTTAGGCTTTGAATATTTGTAGAAATTCTCACAC[A>G]TGCTCTTTAGTACTTTAGAAGATGCTAATCAAGAGAAGACACAATAGAATTTTAGCTGCA-3'
Protein context (NP_982271.3, residues 510-530): QSASSKVLKS[Met520Thr]CENFYKYSKP

ClinVar aggregate classification (germline): Uncertain significance. Review status: criteria provided, multiple submitters, no conflicts (2 of 4 stars). 2 submissions from 2 submitters: Uncertain significance (2). Last evaluated 2025-08-29.

Conditions:
Inborn genetic diseases. Identifiers: MedGen C0950123, MeSH D030342.
Developmental and epileptic encephalopathy, 53. Also called: Epileptic encephalopathy, early infantile, 53. Identifiers: MedGen C4479313, MONDO:0033362, OMIM 617389.
Early-onset Parkinson disease 20. Also called: PARKINSON DISEASE 20, AUTOSOMAL RECESSIVE EARLY-ONSET. Identifiers: Orphanet 391411, MedGen C3809824, MONDO:0014233, OMIM 615530.

Allele frequency attached by ClinVar (database versions not stated): ExAC 0.00001; gnomAD exomes 0.00001.
gnomAD v4.1: 21 of 1,613,116 alleles (0.0013%); highest among the groups gnomAD compares: South Asian, 0.015%; 1 homozygote.

Submissions (2):

Ambry Genetics
Classification: Uncertain significance for Inborn genetic diseases. Last evaluated: 2025-08-29. Review status: criteria provided, single submitter. Criteria: Ambry Variant Classification Scheme 2023. Collection method: clinical testing. Allele origin: germline.

Labcorp Genetics (formerly Invitae), Labcorp
Classification: Uncertain significance for Developmental and epileptic encephalopathy, 53; Early-onset Parkinson disease 20. Last evaluated: 2021-12-24. Review status: criteria provided, single submitter. Criteria: Invitae Variant Classification Sherloc (09022015). Collection method: clinical testing. Allele origin: germline.
Comment: This sequence change replaces methionine, which is neutral and non-polar, with threonine, which is neutral and polar, at codon 559 of the SYNJ1 protein (p.Met559Thr). This variant is present in population databases (rs781147009, gnomAD 0.01%), including at least one homozygous and/or hemizygous individual. This variant has not been reported in the literature in individuals affected with SYNJ1-related conditions. Algorithms developed to predict the effect of missense changes on protein structure and function are either unavailable or do not agree on the potential impact of this missense change (SIFT: "Deleterious"; PolyPhen-2: "Possibly Damaging"; Align-GVGD: "Class C0"). In summary, the available evidence is currently insufficient to determine the role of this variant in disease. Therefore, it has been classified as a Variant of Uncertain Significance.